The following is an entry in ClinVar:

ClinVar aggregate classification (germline): Uncertain significance. Review status: criteria provided, single submitter (1 of 4 stars). 2 submissions from 2 submitters: Uncertain significance (1). 1 of the submissions does not count toward it. Last evaluated 2024-04-08.

Conditions:
PKD1L1-related disorder. Also called: PKD1L1-related condition.

gnomAD v4.1: 145 of 1,613,746 alleles (0.009%); highest among the groups gnomAD compares: South Asian, 0.15%; 1 homozygote.

Submissions (2):

Labcorp Genetics (formerly Invitae), Labcorp
Classification: Uncertain significance. Last evaluated: 2024-04-08. Review status: criteria provided, single submitter. Criteria: Invitae Variant Classification Sherloc (09022015). Collection method: clinical testing. Allele origin: germline.
Comment: This sequence change replaces leucine, which is neutral and non-polar, with glutamine, which is neutral and polar, at codon 2795 of the PKD1L1 protein (p.Leu2795Gln). This variant is present in population databases (rs556945798, gnomAD 0.2%). This variant has not been reported in the literature in individuals affected with PKD1L1-related conditions. An algorithm developed to predict the effect of missense changes on protein structure and function (PolyPhen-2) suggests that this variant is likely to be disruptive. In summary, the available evidence is currently insufficient to determine the role of this variant in disease. Therefore, it has been classified as a Variant of Uncertain Significance.

PreventionGenetics, part of Exact Sciences
Classification: Uncertain significance for PKD1L1-related condition. Last evaluated: 2024-09-04. Review status: no assertion criteria provided. Collection method: clinical testing. Allele origin: germline. Not counted in ClinVar's aggregate classification.
Comment: The PKD1L1 c.8384T>A variant is predicted to result in the amino acid substitution p.Leu2795Gln. To our knowledge, this variant has not been reported in the literature. This variant is reported in 0.14% of alleles in individuals of South Asian descent in gnomAD. Although we suspect that this variant may be benign, at this time, the clinical significance of this variant is uncertain due to the absence of conclusive functional and genetic evidence.

NM_138295.5(PKD1L1):c.8384T>A (p.Leu2795Gln)

Gene: PKD1L1 (polycystin 1 like 1, transient receptor potential channel interacting; minus strand). Cytogenetic location: 7p12.3.
Variant type: single nucleotide variant.
Coding change: c.8384T>A on transcript NM_138295.5 (MANE Select); coding-DNA position 8384, T replaced by A.
Protein change: p.Leu2795Gln; replaces leucine 2795 with glutamine.
Molecular consequence: missense variant.
Genome position (GRCh38, 1-based): chr7:47,792,769, A>T on the plus strand (T>A on the coding strand, the complement: PKD1L1 is on the minus strand). VCF-style: chr7-47792769-A-T. GRCh37 (hg19) VCF-style: chr7-47832367-A-T.
Other names: short protein forms L2795Q.
Identifiers: ClinVar variation 3354099 (VCV003354099.2).